The following is an entry in ClinVar:

ClinVar aggregate classification (germline): Uncertain significance (1 of 4 stars; one submission).

Allele frequency attached by ClinVar (database versions not stated): TOPMed below 0.00001; 1000 Genomes Project 0.00020; gnomAD 0.00001; ExAC 0.00002; 1000 Genomes Project 30x 0.00016.
gnomAD v4.1: 18 of 1,614,150 alleles (0.0011%); highest among the groups gnomAD compares: East Asian, 0.0045%; no homozygotes.

Submission:

Labcorp Genetics (formerly Invitae), Labcorp
Classification: Uncertain significance. Last evaluated: 2025-11-08. Review status: criteria provided, single submitter. Criteria: Invitae Variant Classification Sherloc (09022015). Collection method: clinical testing. Allele origin: germline.
Comment: This sequence change replaces proline, which is neutral and non-polar, with leucine, which is neutral and non-polar, at codon 450 of the CACNA1D protein (p.Pro450Leu). This variant is present in population databases (rs556582252, gnomAD 0.003%). This variant has not been reported in the literature in individuals affected with CACNA1D-related conditions. ClinVar contains an entry for this variant (Variation ID: 2974836). Invitae Evidence Modeling of protein sequence and biophysical properties (such as structural, functional, and spatial information, amino acid conservation, physicochemical variation, residue mobility, and thermodynamic stability) indicates that this missense variant is not expected to disrupt CACNA1D protein function with a negative predictive value of 80%. In summary, the available evidence is currently insufficient to determine the role of this variant in disease. Therefore, it has been classified as a Variant of Uncertain Significance.

NM_001128840.3(CACNA1D):c.1349C>T (p.Pro450Leu)

Gene: CACNA1D (calcium voltage-gated channel subunit alpha1 D; plus strand). Cytogenetic location: 3p21.1.
Variant type: single nucleotide variant.
Coding change: c.1349C>T on transcript NM_001128840.3 (MANE Select); coding-DNA position 1349, C replaced by T.
Protein change: p.Pro450Leu; replaces proline 450 with leucine.
Molecular consequence: missense variant.
Genome position (GRCh38, 1-based): chr3:53,702,769, C>T. VCF-style: chr3-53702769-C-T. GRCh37 (hg19) VCF-style: chr3-53736796-C-T.
Other names: c.1349C>T, p.Pro450Leu (NM_000720.4, NM_001128839.3); short protein forms P450L.
Identifiers: ClinVar variation 2974836 (VCV002974836.3), dbSNP rs556582252, ClinGen allele CA2453892.
Genomic context (GRCh38, chr3:53,702,769, plus strand): 5'-AGCTGGAGGAGGATCTAAAGGGCTACTTGGATTGGATCACCCAAGCTGAGGACATCGATC[C>T]GGAGAATGAGGAAGAAGGAGGAGAGGAAGGCAAACGAAATAGTATGTAGCGCCTTTCCTG-3'
Protein context (NP_001122312.1, residues 440-460): DWITQAEDID[Pro450Leu]ENEEEGGEEG